The following is an entry in ClinVar:

ClinVar aggregate classification (germline): Pathogenic. Review status: criteria provided, multiple submitters, no conflicts (2 of 4 stars). 4 submissions from 4 submitters: Pathogenic (2). 2 of the submissions do not count toward it. Last evaluated 2025-10-07.

Conditions:
Epilepsy, idiopathic generalized, susceptibility to, 11 (EIG11). Identifiers: Orphanet 307, MedGen C2750893, MONDO:0011875, OMIM 607628.
Familial hyperaldosteronism type II. Also called: FH II. Identifiers: Orphanet 404, MedGen C1854107, MONDO:0011576, OMIM 605635.
Leukoencephalopathy with mild cerebellar ataxia and white matter edema (LKPAT). Also called: Leukoencephalopathy with ataxia; Leukoencephalopathy with white matter edema; Brain white matter edema; CLCN2-Related Leukoencephalopathy. Identifiers: Orphanet 363540, MedGen C4554120, MONDO:0014292, OMIM 615651. Disease mechanism: loss of function.

Allele frequency attached by ClinVar (database versions not stated): gnomAD 0.00001.

Submissions (4):

Labcorp Genetics (formerly Invitae), Labcorp
Classification: Pathogenic. Last evaluated: 2025-10-07. Review status: criteria provided, single submitter. Criteria: Invitae Variant Classification Sherloc (09022015). Collection method: clinical testing. Allele origin: germline.
Comment: This sequence change replaces arginine, which is basic and polar, with glutamine, which is neutral and polar, at codon 172 of the CLCN2 protein (p.Arg172Gln). This variant is not present in population databases (gnomAD no frequency). This missense change has been observed in individual(s) with autosomal dominant primary aldosteronism (PMID: 29403011). In at least one individual the variant was observed to be de novo. It has also been observed to segregate with disease in related individuals. ClinVar contains an entry for this variant (Variation ID: 441164). Invitae Evidence Modeling of protein sequence and biophysical properties (such as structural, functional, and spatial information, amino acid conservation, physicochemical variation, residue mobility, and thermodynamic stability) indicates that this missense variant is expected to disrupt CLCN2 protein function with a positive predictive value of 80%. For these reasons, this variant has been classified as Pathogenic.

Fulgent Genetics
Classification: Pathogenic for Familial hyperaldosteronism type II; Epilepsy, idiopathic generalized, susceptibility to, 11; Leukoencephalopathy with mild cerebellar ataxia and white matter edema. Last evaluated: 2021-09-20. Review status: criteria provided, single submitter. Criteria: ACMG Guidelines, 2015. Collection method: clinical testing. Allele origin: unknown.

OMIM
Classification: Pathogenic for HYPERALDOSTERONISM, FAMILIAL, TYPE II. Last evaluated: 2021-05-06. Review status: no assertion criteria provided. Collection method: literature only. Allele origin: germline. Not counted in ClinVar's aggregate classification.

Ute Scholl Laboratory, Heinrich Heine University Duesseldorf
Classification: Pathogenic for Familial hyperaldosteronism type II. Last evaluated: 2017-09-25. Review status: no assertion criteria provided. Collection method: research, in vitro. Allele origin: germline. Inheritance: Autosomal dominant inheritance. Affected: yes. Observed: 13 variant alleles, 13 heterozygotes. Clinical features observed: Primary hyperaldosteronism (HP:0011736), Glucocortocoid-insensitive primary hyperaldosteronism (HP:0011740), Hypertension (HP:0000822), Abnormal circulating renin (HP:0040084), Hypokalemia (HP:0002900), Metabolic alkalosis (HP:0200114). Functional consequence: protein gain of function. Not counted in ClinVar's aggregate classification.
Comment: Four independent occurrences of CLCN2 p.Arg172Gln, significant burden of rare variants in CLCN2 in early-onset primary aldosteronism (two de novo), localization of CLCN2 in adrenal zona glomerulosa, electrophysiologic impact of mutant channels and effect on aldosterone synthase expression

Literature cited by the submitters: PubMed 29403011 (cited by Labcorp Genetics (formerly Invitae), Labcorp and OMIM); PubMed 1521363 (cited by OMIM).

NM_004366.6(CLCN2):c.515G>A (p.Arg172Gln)

Gene: CLCN2 (chloride voltage-gated channel 2; minus strand). Cytogenetic location: 3q27.1.
Variant type: single nucleotide variant.
Coding change: c.515G>A on transcript NM_004366.6 (MANE Select); coding-DNA position 515, G replaced by A.
Protein change: p.Arg172Gln; replaces arginine 172 with glutamine.
Molecular consequence: missense variant.
Genome position (GRCh38, 1-based): chr3:184,358,062, C>T on the plus strand (G>A on the coding strand, the complement: CLCN2 is on the minus strand). VCF-style: chr3-184358062-C-T. GRCh37 (hg19) VCF-style: chr3-184075850-C-T.
Other names: c.515G>A, p.Arg172Gln (NM_001171087.3, NM_001171089.3); c.383G>A, p.Arg128Gln (NM_001171088.3); short protein forms R172Q, R128Q.
Identifiers: ClinVar variation 441164 (VCV000441164.7), dbSNP rs1293789661, ClinGen allele CA355456938.